The following is an entry in ClinVar:

ClinVar aggregate classification (germline): Uncertain significance. Review status: criteria provided, multiple submitters, no conflicts (2 of 4 stars). 3 submissions from 3 submitters: Uncertain significance (3). Last evaluated 2025-12-20.

Conditions:
Myofibrillar myopathy 4. Also called: Zaspopathy (type). Identifiers: Orphanet 98912, MedGen C4721886, MONDO:0012277, OMIM 609452.

Submissions (3):

Labcorp Genetics (formerly Invitae), Labcorp
Classification: Uncertain significance for Myofibrillar myopathy 4. Last evaluated: 2025-12-20. Review status: criteria provided, single submitter. Criteria: Invitae Variant Classification Sherloc (09022015). Collection method: clinical testing. Allele origin: germline.
Comment: This sequence change falls in intron 5 of the LDB3 gene. It does not directly change the encoded amino acid sequence of the LDB3 protein. It affects a nucleotide within the consensus splice site. Information on the frequency of this variant in the gnomAD database is not available, as this variant may be reported differently in the database. This variant has not been reported in the literature in individuals affected with LDB3-related conditions. ClinVar contains an entry for this variant (Variation ID: 406800). Variants that disrupt the consensus splice site are a relatively common cause of aberrant splicing (PMID: 17576681, 9536098). In summary, the available evidence is currently insufficient to determine the role of this variant in disease. Therefore, it has been classified as a Variant of Uncertain Significance.

GeneDx
Classification: Uncertain significance. Last evaluated: 2024-12-13. Review status: criteria provided, single submitter. Criteria: GeneDx Variant Classification Process June 2021. Collection method: clinical testing. Allele origin: germline. Affected: yes.
Comment: Has not been previously published as pathogenic or benign to our knowledge; In silico analysis supports a deleterious effect on splicing; Not observed at significant frequency in large population cohorts (gnomAD)

Women's Health and Genetics/Laboratory Corporation of America, LabCorp
Classification: Uncertain significance. Last evaluated: 2024-04-04. Review status: criteria provided, single submitter. Criteria: LabCorp Variant Classification Summary - May 2015. Collection method: clinical testing. Allele origin: germline.
Comment: Variant summary: LDB3 c.690-4619_690-4618delinsTA is located at a position not widely known to affect splicing. Several computational tools predict a significant impact on normal splicing: Two predict the variant weakens a cryptic 5' donor site and two predict the variant abolishes this site. However, these predictions have yet to be confirmed by functional studies. The variant was not reported in 280546 control chromosomes in the gnomAD database (v2.1), although there are two variants which if found in cis would comprise this variant, and are found at a frequency of 1.0e-4 in the non-Finnish European population. The available data on variant occurrences in the general population are insufficient to allow any conclusion about variant significance. To our knowledge, no occurrence of c.690-4619_690-4618delinsTA in individuals affected with Cardiomyopathy and no experimental evidence demonstrating its impact on protein function have been reported. ClinVar contains an entry for this variant (Variation ID: 406800). Based on the evidence outlined above, the variant was classified as uncertain significance.

Literature cited by the submitters: PubMed 17576681 (cited by Labcorp Genetics (formerly Invitae), Labcorp); PubMed 9536098 (cited by Labcorp Genetics (formerly Invitae), Labcorp).

NM_007078.3(LDB3):c.690-4619_690-4618delinsTA

Genes: LDB3 (LIM domain binding 3; plus strand), LOC110121486 (VISTA enhancer hs2143; plus strand). Cytogenetic location: 10q23.2.
Variant type: Indel.
Coding change: c.690-4619_690-4618delinsTA on transcript NM_007078.3 (MANE Select); 4619 bases into the intron before coding-DNA position 690 through 4618 bases into the intron before coding-DNA position 690, GC replaced by TA.
Molecular consequence: intron variant.
Genome position (GRCh38, 1-based): chr10:86,687,277-86,687,278, GC replaced by TA. VCF-style: chr10-86687277-GC-TA. GRCh37 (hg19) VCF-style: chr10-88447034-GC-TA.
Other names: c.548+5_548+6delGCinsTA (NM_001080116.1); c.548+5_548+6delinsTA (NM_001080116.1, NM_001368068.1, NM_001368066.1 and 2 more transcripts); c.690-4619_690-4618delinsTA (NM_001368064.1, NM_001368063.1, NM_001368065.1 and 1 more transcripts); c.893+5_893+6delinsTA (NM_001171610.2, NM_001171611.2).
Identifiers: ClinVar variation 406800 (VCV000406800.11), dbSNP rs1060501314, ClinGen allele CA16612951.